The following is an entry in ClinVar:

NM_001454.4(FOXJ1):c.223dup (p.Leu75fs)

Genes: FOXJ1 (forkhead box J1; minus strand), LOC130061707 (ATAC-STARR-seq lymphoblastoid silent region 9003; plus strand). Cytogenetic location: 17q25.1.
Variant type: Duplication.
Coding change: c.223dup on transcript NM_001454.4 (MANE Select); coding-DNA position 223, one base duplicated (C; older notation c.223dupC).
Protein change: p.Leu75fs; shifts the reading frame from leucine 75.
Molecular consequence: frameshift variant.
Genome position (GRCh38, 1-based): chr17:76,140,173, G duplicated on the plus strand (C on the coding strand, the reverse complement: FOXJ1 is on the minus strand); the first of 6 consecutive G bases (chr17:76,140,173-76,140,178); duplicating any one gives the same sequence. VCF-style (leftmost placement, unchanged base first): chr17-76140172-A-AG. GRCh37 (hg19) VCF-style: chr17-74136253-A-AG.
Other names: c.223dupC (NM_001454.4); short protein forms L75fs.
Identifiers: ClinVar variation 3390985 (VCV003390985.2).

ClinVar aggregate classification (germline): Likely pathogenic (0 of 4 stars; one submission).

Conditions:
Ciliary dyskinesia, primary, 43. Also called: CILIARY DYSKINESIA, PRIMARY, 43, WITH OR WITHOUT SITUS INVERSUS. Identifiers: MedGen C5231466, MONDO:0032874, OMIM 618699.

Submission:

Diagnostics Centre, Carl Von Ossietzky University Oldenburg
Classification: Likely pathogenic for Ciliary dyskinesia, primary, 43. Last evaluated: 2024-08-26. Review status: no assertion criteria provided. Collection method: clinical testing. Allele origin: germline. Affected: yes. Observed: 1 variant allele.
Comment: The variant results in a frameshift at protein position 75 and the formation of a premature stop codon after 124 amino acids. According to predictions, the modified gene product is not degraded by nonsense-mediated decay. However, the modification affects the DNA-binding forkhead domain of FOXJ1, which is critical for the protein function. The disease associated with this gene is highly consistent with the patient's reported phenotype. The variant has not yet been described in ClinVar. This variant is classified as very rare since it is absent in gnomAD v4.1.0. In summary, the variant is classified as likely pathogenic.